The following is an entry in ClinVar:

NM_018979.4(WNK1):c.1906C>A (p.Gln636Lys)

Gene: WNK1 (WNK lysine deficient protein kinase 1; plus strand). Cytogenetic location: 12p13.33.
Variant type: single nucleotide variant.
Coding change: c.1906C>A on transcript NM_018979.4 (MANE Select); coding-DNA position 1906, C replaced by A.
Protein change: p.Gln636Lys; replaces glutamine 636 with lysine.
Molecular consequence: missense variant.
Genome position (GRCh38, 1-based): chr12:861,298, C>A. VCF-style: chr12-861298-C-A. GRCh37 (hg19) VCF-style: chr12-970464-C-A.
Other names: c.1906C>A, p.Gln636Lys (NM_001184985.2, NM_014823.3, NM_213655.5); short protein forms Q636K.
Identifiers: ClinVar variation 3356305 (VCV003356305.2).

ClinVar aggregate classification (germline): Uncertain significance. Review status: criteria provided, single submitter (1 of 4 stars). 2 submissions from 2 submitters: Uncertain significance (1). 1 of the submissions does not count toward it. Last evaluated 2024-03-08.

Conditions:
WNK1-related disorder. Also called: WNK1-related condition.
Neuropathy, hereditary sensory and autonomic, type 2A (HSAN2A). Also called: ACROOSTEOLYSIS, GIACCAI TYPE; ACROOSTEOLYSIS, NEUROGENIC; MORVAN DISEASE; NEUROPATHY, CONGENITAL SENSORY; NEUROPATHY, HEREDITARY SENSORY RADICULAR, AUTOSOMAL RECESSIVE; NEUROPATHY, HEREDITARY SENSORY, TYPE IIA. Identifiers: Orphanet 970, MedGen C2752089, MONDO:0024309, OMIM 201300.
Pseudohypoaldosteronism type 2C (PHA2C). Also called: Pseudohypoaldosteronism Type IIC. Identifiers: Orphanet 757, Orphanet 88940, MedGen C1840391, MONDO:0013778, OMIM 614492.

Submissions (2):

Fulgent Genetics
Classification: Uncertain significance for Neuropathy, hereditary sensory and autonomic, type 2A; Pseudohypoaldosteronism type 2C. Last evaluated: 2024-03-08. Review status: criteria provided, single submitter. Criteria: ACMG Guidelines, 2015. Collection method: clinical testing. Allele origin: germline.

PreventionGenetics, part of Exact Sciences
Classification: Uncertain significance for WNK1-related condition. Last evaluated: 2024-05-10. Review status: no assertion criteria provided. Collection method: clinical testing. Allele origin: germline. Not counted in ClinVar's aggregate classification.
Comment: The WNK1 c.1906C>A variant is predicted to result in the amino acid substitution p.Gln636Lys. To our knowledge, this variant has not been reported in the literature or in a large population database, indicating this variant is rare. At this time, the clinical significance of this variant is uncertain due to the absence of conclusive functional and genetic evidence.